The following is an entry in ClinVar:

NM_213569.2(NEBL):c.357T>C (p.Asn119=)

Gene: NEBL (nebulette; minus strand). Cytogenetic location: 10p12.31.
Variant type: single nucleotide variant.
Coding change: c.357T>C on transcript NM_213569.2; coding-DNA position 357, T replaced by C.
Protein change: p.Asn119=; no amino-acid change (asparagine 119 retained).
Molecular consequence: synonymous variant.
Genome position (GRCh38, 1-based): chr10:20,961,672, A>G on the plus strand (T>C on the coding strand, the complement: NEBL is on the minus strand). VCF-style: chr10-20961672-A-G. GRCh37 (hg19) VCF-style: chr10-21250601-A-G.
Other names: c.357T>C, p.Asn119= (NM_001173484.2, NM_001377322.1); c.309T>C, p.Asn103= (NM_001377323.1); c.300T>C, p.Asn100= (NM_001377324.1); c.291T>C, p.Asn97= (NM_001377325.1); c.249T>C, p.Asn83= (NM_001377326.1, NM_001377327.1, NM_001377328.1); c.357T>C (NM_001173484.1).
Identifiers: ClinVar variation 164773 (VCV000164773.9), dbSNP rs115708584, ClinGen allele CA177471.

ClinVar aggregate classification (germline): Benign/Likely benign. Review status: criteria provided, multiple submitters, no conflicts (2 of 4 stars). 4 submissions from 4 submitters: Benign (1); Likely benign (2). 1 of the submissions does not count toward it. Last evaluated 2018-06-19.

Conditions:
NEBL-related disorder. Also called: NEBL-related condition.

Allele frequency attached by ClinVar (database versions not stated): ExAC 0.00220; gnomAD exomes 0.00063 and 0.00183; gnomAD 0.00720 and 0.00662; ESP Exome Variant Server 0.00830; 1000 Genomes Project 0.00619; TOPMed 0.00763.
gnomAD v4.1: 1,950 of 1,602,118 alleles (0.12%); highest among the groups gnomAD compares: African/African-American, 2.3%; 15 homozygotes.

Submissions (4):

GeneDx
Classification: Likely benign. Last evaluated: 2018-06-19. Review status: criteria provided, single submitter. Criteria: GeneDx Variant Classification (06012015). Collection method: clinical testing. Allele origin: germline. Affected: yes.
Comment: This variant is considered likely benign or benign based on one or more of the following criteria: it is a conservative change, it occurs at a poorly conserved position in the protein, it is predicted to be benign by multiple in silico algorithms, and/or has population frequency not consistent with disease.

Laboratory for Molecular Medicine, Mass General Brigham Personalized Medicine
Classification: Benign. Last evaluated: 2012-03-19. Review status: criteria provided, single submitter. Criteria: LMM Criteria. Collection method: clinical testing. Allele origin: germline. Observed: 6 variant alleles.
Comment: p.Asn119Asn in Exon 04 of NEBL: This variant is not expected to have clinical si gnificance because it does not alter an amino acid residue, is not located withi n the splice consensus sequence and has been identified in 2.5% (94/3738) of Afr ican American chromosomes from a broad population by the NHLBI Exome Sequencing Project (dbSNP rs115708584).

Breakthrough Genomics
Classification: Likely benign. Review status: criteria provided, single submitter. Criteria: ACMG Guidelines, 2015. Collection method: not provided. Allele origin: germline. Inheritance: Unknown mechanism. Affected: yes.

PreventionGenetics, part of Exact Sciences
Classification: Benign for NEBL-related condition. Last evaluated: 2019-07-10. Review status: no assertion criteria provided. Collection method: clinical testing. Allele origin: germline. Not counted in ClinVar's aggregate classification.
Comment: This variant is classified as benign based on ACMG/AMP sequence variant interpretation guidelines (Richards et al. 2015 PMID: 25741868, with internal and published modifications).